The following is an entry in ClinVar:

NM_018026.4(PACS1):c.932T>A (p.Val311Glu)

Gene: PACS1 (phosphofurin acidic cluster sorting protein 1; plus strand). Cytogenetic location: 11q13.2.
Variant type: single nucleotide variant.
Coding change: c.932T>A on transcript NM_018026.4 (MANE Select); coding-DNA position 932, T replaced by A.
Protein change: p.Val311Glu; replaces valine 311 with glutamic acid.
Molecular consequence: missense variant.
Genome position (GRCh38, 1-based): chr11:66,216,729, T>A. VCF-style: chr11-66216729-T-A. GRCh37 (hg19) VCF-style: chr11-65984200-T-A.
Other names: short protein forms V311E.
Identifiers: ClinVar variation 4743853 (VCV004743853.1).

ClinVar aggregate classification (germline): Uncertain significance (1 of 4 stars; one submission).

Conditions:
Schuurs-Hoeijmakers syndrome. Also called: PACS1-Related Neurodevelopmental Disorder. Identifiers: Orphanet 329224, MedGen C3554343, MONDO:0014006, OMIM 615009.

Submission:

Labcorp Genetics (formerly Invitae), Labcorp
Classification: Uncertain significance for Schuurs-Hoeijmakers syndrome. Last evaluated: 2025-04-01. Review status: criteria provided, single submitter. Criteria: Invitae Variant Classification Sherloc (09022015). Collection method: clinical testing. Allele origin: germline.
Comment: This sequence change replaces valine, which is neutral and non-polar, with glutamic acid, which is acidic and polar, at codon 311 of the PACS1 protein (p.Val311Glu). This variant is not present in population databases (gnomAD no frequency). This variant has not been reported in the literature in individuals affected with PACS1-related conditions. Invitae Evidence Modeling of protein sequence and biophysical properties (such as structural, functional, and spatial information, amino acid conservation, physicochemical variation, residue mobility, and thermodynamic stability) indicates that this missense variant is not expected to disrupt PACS1 protein function with a negative predictive value of 80%. In summary, the available evidence is currently insufficient to determine the role of this variant in disease. Therefore, it has been classified as a Variant of Uncertain Significance.